The following is an entry in ClinVar:

ClinVar aggregate classification (germline): Uncertain significance. Review status: criteria provided, multiple submitters, no conflicts (2 of 4 stars). 2 submissions from 2 submitters: Uncertain significance (2). Last evaluated 2025-02-22.

Conditions:
Inborn genetic diseases. Identifiers: MedGen C0950123, MeSH D030342.

Allele frequency attached by ClinVar (database versions not stated): TOPMed 0.00001; gnomAD 0.00002.
gnomAD v4.1: 37 of 1,497,442 alleles (0.0025%); highest among the groups gnomAD compares: Non-Finnish European, 0.0028%; no homozygotes.

Submissions (2):

Ambry Genetics
Classification: Uncertain significance for Inborn genetic diseases. Last evaluated: 2025-02-22. Review status: criteria provided, single submitter. Criteria: Ambry Variant Classification Scheme 2023. Collection method: clinical testing. Allele origin: germline.

Labcorp Genetics (formerly Invitae), Labcorp
Classification: Uncertain significance. Last evaluated: 2023-10-03. Review status: criteria provided, single submitter. Criteria: Invitae Variant Classification Sherloc (09022015). Collection method: clinical testing. Allele origin: germline.
Comment: This sequence change replaces aspartic acid, which is acidic and polar, with asparagine, which is neutral and polar, at codon 26 of the PLOD3 protein (p.Asp26Asn). The frequency data for this variant in the population databases is considered unreliable, as metrics indicate poor data quality at this position in the gnomAD database. This variant has not been reported in the literature in individuals affected with PLOD3-related conditions. ClinVar contains an entry for this variant (Variation ID: 2039297). Algorithms developed to predict the effect of missense changes on protein structure and function output the following: SIFT: "Not Available"; PolyPhen-2: "Not Available"; Align-GVGD: "Not Available". The asparagine amino acid residue is found in multiple mammalian species, which suggests that this missense change does not adversely affect protein function. In summary, the available evidence is currently insufficient to determine the role of this variant in disease. Therefore, it has been classified as a Variant of Uncertain Significance.

NM_001084.5(PLOD3):c.76G>A (p.Asp26Asn)

Gene: PLOD3 (procollagen-lysine,2-oxoglutarate 5-dioxygenase 3; minus strand). Cytogenetic location: 7q22.1.
Variant type: single nucleotide variant.
Coding change: c.76G>A on transcript NM_001084.5 (MANE Select); coding-DNA position 76, G replaced by A.
Protein change: p.Asp26Asn; replaces aspartic acid 26 with asparagine.
Molecular consequence: missense variant.
Genome position (GRCh38, 1-based): chr7:101,217,199, C>T on the plus strand (G>A on the coding strand, the complement: PLOD3 is on the minus strand). VCF-style: chr7-101217199-C-T. GRCh37 (hg19) VCF-style: chr7-100860480-C-T.
Other names: c.76G>A (NM_001084.4); short protein forms D26N.
Identifiers: ClinVar variation 2039297 (VCV002039297.3), dbSNP rs941515853, ClinGen allele CA163354991.